The following is an entry in ClinVar:

ClinVar aggregate classification (germline): Uncertain significance (1 of 4 stars; one submission).

Conditions:
Familial focal epilepsy with variable foci (FPEVF). Identifiers: Orphanet 98820, MedGen C1858477, MONDO:0020310.

Allele frequency attached by ClinVar (database versions not stated): TOPMed 0.00001.

Submission:

Labcorp Genetics (formerly Invitae), Labcorp
Classification: Uncertain significance for Familial focal epilepsy with variable foci. Last evaluated: 2019-05-08. Review status: criteria provided, single submitter. Criteria: Invitae Variant Classification Sherloc (09022015). Collection method: clinical testing. Allele origin: germline.
Comment: In summary, the available evidence is currently insufficient to determine the role of this variant in disease. Therefore, it has been classified as a Variant of Uncertain Significance. Algorithms developed to predict the effect of missense changes on protein structure and function are either unavailable or do not agree on the potential impact of this missense change (SIFT: "Tolerated"; PolyPhen-2: "Not Available"; Align-GVGD: "Class C0"). This variant has not been reported in the literature in individuals with DEPDC5-related conditions. This variant is not present in population databases (ExAC no frequency). This sequence change replaces glutamic acid with aspartic acid at codon 915 of the DEPDC5 protein (p.Glu915Asp). The glutamic acid residue is highly conserved and there is a small physicochemical difference between glutamic acid and aspartic acid.

NM_001242896.3(DEPDC5):c.2745G>T (p.Glu915Asp)

Gene: DEPDC5 (DEP domain containing 5, GATOR1 subcomplex subunit; plus strand). Cytogenetic location: 22q12.3.
Variant type: single nucleotide variant.
Coding change: c.2745G>T on transcript NM_001242896.3 (MANE Select); coding-DNA position 2745, G replaced by T.
Protein change: p.Glu915Asp; replaces glutamic acid 915 with aspartic acid.
Molecular consequence: missense variant. On other transcripts: non-coding transcript variant (5).
Genome position (GRCh38, 1-based): chr22:31,843,756, G>T. VCF-style: chr22-31843756-G-T. GRCh37 (hg19) VCF-style: chr22-32239742-G-T.
Other names: c.2718G>T, p.Glu906Asp (NM_001136029.4, NM_001369903.1, NM_014662.6); c.2511G>T, p.Glu837Asp (NM_001242897.2, NM_001363854.2, NM_001364319.2); c.2745G>T, p.Glu915Asp (NM_001363852.2, NM_001364318.2, NM_001364320.2); c.2661G>T, p.Glu887Asp (NM_001369901.1, NM_001369902.1); short protein forms E887D, E837D, E915D, E906D.
Identifiers: ClinVar variation 853633 (VCV000853633.9), dbSNP rs373602490, ClinGen allele CA323342589.
Genomic context (GRCh38, chr22:31,843,756, plus strand): 5'-CCACTCAGACTCAGAGTTCGTCTCCTGCTGGGTGGAATTCTCCCACGAACGGCTGGAGGA[G>T]TACAAGTGGAATTACTTAGATCAGTATATCTGTTCTGCCGGCTCTGAAGACTTCAGGTCA-3'
Protein context (NP_001229825.1, residues 905-925): WVEFSHERLE[Glu915Asp]YKWNYLDQYI